The following is an entry in ClinVar:

ClinVar aggregate classification (germline): Uncertain significance. Review status: criteria provided, multiple submitters, no conflicts (2 of 4 stars). 2 submissions from 2 submitters: Uncertain significance (2). Last evaluated 2021-12-18.

Submissions (2):

Labcorp Genetics (formerly Invitae), Labcorp
Classification: Uncertain significance. Last evaluated: 2021-12-18. Review status: criteria provided, single submitter. Criteria: Invitae Variant Classification Sherloc (09022015). Collection method: clinical testing. Allele origin: germline.
Comment: This sequence change replaces alanine, which is neutral and non-polar, with proline, which is neutral and non-polar, at codon 5121 of the USH2A protein (p.Ala5121Pro). This variant is not present in population databases (gnomAD no frequency). This variant has not been reported in the literature in individuals affected with USH2A-related conditions. Algorithms developed to predict the effect of missense changes on protein structure and function (SIFT, PolyPhen-2, Align-GVGD) all suggest that this variant is likely to be tolerated. In summary, the available evidence is currently insufficient to determine the role of this variant in disease. Therefore, it has been classified as a Variant of Uncertain Significance.

Blueprint Genetics
Classification: Uncertain significance. Last evaluated: 2019-02-04. Review status: criteria provided, single submitter. Criteria: ACMG Guidelines, 2015. Collection method: clinical testing. Allele origin: germline.

NM_206933.4(USH2A):c.15361G>C (p.Ala5121Pro)

Gene: USH2A (usherin; minus strand). Cytogenetic location: 1q41.
Variant type: single nucleotide variant.
Coding change: c.15361G>C on transcript NM_206933.4 (MANE Select); coding-DNA position 15361, G replaced by C.
Protein change: p.Ala5121Pro; replaces alanine 5121 with proline.
Molecular consequence: missense variant.
Genome position (GRCh38, 1-based): chr1:215,628,972, C>G on the plus strand (G>C on the coding strand, the complement: USH2A is on the minus strand). VCF-style: chr1-215628972-C-G. GRCh37 (hg19) VCF-style: chr1-215802314-C-G.
Other names: short protein forms A5121P.
Identifiers: ClinVar variation 2416255 (VCV002416255.4), dbSNP rs1656164144, ClinGen allele CA344821242.